The following is an entry in ClinVar:

ClinVar aggregate classification (germline): Pathogenic. Review status: criteria provided, multiple submitters, no conflicts (2 of 4 stars). 9 submissions from 9 submitters: Pathogenic (8). 1 of the submissions does not count toward it. Last evaluated 2026-04-06.

Conditions:
Autosomal dominant Alport syndrome (ATS3A). Also called: ALPORT SYNDROME 3A, AUTOSOMAL DOMINANT; Alport syndrome dominant type; Renal failure and sensorineural hearing loss. Identifiers: Orphanet 63, Orphanet 88918, MedGen C5882663, MONDO:0007086, OMIM 104200.
Alport syndrome 3b, autosomal recessive. Identifiers: MedGen C5882699, MONDO:0957811, OMIM 620536.
Hematuria, benign familial, 2 (BFH2). Identifiers: MedGen C5830421, MONDO:0958186, OMIM 620320.
COL4A3-related disorder. Also called: COL4A3-related condition; COL4A3-Related Disorders.
Alport syndrome. Also called: Hemorrhagic familial nephritis; Hemorrhagic hereditary nephritis; Congenital hereditary hematuria. Identifiers: Orphanet 63, MedGen C1567741, MONDO:0018965.
Autosomal recessive Alport syndrome (ATS2). Also called: COL4A4 Alport Syndrome and Thin Basement Membrane Nephropathy; ALPORT SYNDROME 2, AUTOSOMAL RECESSIVE; COL4A3-Related Nephropathy; Alport syndrome type 2. Identifiers: Orphanet 63, Orphanet 88919, MedGen C4746745, MONDO:0008762, OMIM 203780.

Allele frequency attached by ClinVar (database versions not stated): TOPMed below 0.00001; gnomAD 0.00001; gnomAD exomes 0.00001 and 0.00002; ExAC 0.00002.
gnomAD v4.1: 34 of 1,613,924 alleles (0.0021%); highest among the groups gnomAD compares: Non-Finnish European, 0.0027%; no homozygotes.

Submissions (9):

PreventionGenetics, part of Exact Sciences
Classification: Pathogenic for COL4A3-related condition. Last evaluated: 2026-04-06. Review status: criteria provided, single submitter. Criteria: ACMG Guidelines, 2015. Collection method: clinical testing. Allele origin: germline.
Comment: The COL4A3 c.4486C>T variant is predicted to result in premature protein termination (p.Arg1496*). This variant was reported in the heterozygous or compound heterozygous (or homozygous) state in individuals with features of Alport syndrome spectrum disorders (Table S5, Hao et al. 2024. PubMed ID: 39443691; Nagel et al. 2005. PubMed ID: 15954103; Cook et al. 2008. PubMed ID: 18436078). Nonsense variants in COL4A3 are expected to be pathogenic for autosomal dominant and recessive COL4A3-related Alport syndrome spectrum disorders (see for example, Gao et al. 2023. PubMed ID: 36685964; Longo et al. 2002. PubMed ID: 12028435; Lujinschi et al. 2024. PubMed ID: 38790222). This variant is reported in 0.0031% of alleles in individuals of European (non-Finnish) descent in gnomAD. This variant is interpreted as pathogenic for both autosomal dominant and recessive COL4A3-related Alport syndrome spectrum disorders.

Medical and Scientific Branch, Hong Kong Genome Institute
Classification: Pathogenic for Autosomal dominant Alport syndrome. Last evaluated: 2026-01-26. Review status: criteria provided, single submitter. Criteria: ACMG Guidelines, 2015. Collection method: clinical testing. Allele origin: unknown. Affected: yes.

Natera, Inc.
Classification: Pathogenic for Alport syndrome. Last evaluated: 2025-07-24. Review status: criteria provided, single submitter. Criteria: Natera Variant Classification Schema (03/2026). Collection method: clinical testing. Allele origin: germline.
Comment: The c.4486C>T variant in COL4A3 is a nonsense variant predicted to introduce a stop codon at amino acid 1496. This variant is expected to result in nonsense mediated decay, truncation, or a dysfunctional protein product. This variant is rare in the general population with a frequency below the threshold expected for the associated phenotype(s). This variant has been observed in one or more individuals affected with the associated recessive disease, as either homozygous or compound heterozygous with a second variant (PMID: 18436078). Additionally, this variant has been observed to segregate in affected family members (PMID: 18436078). Given the available evidence, this variant is classified as Pathogenic.

Genetics and Genomic Medicine Centre, NeuroGen Healthcare, NeuroGen Healthcare
Classification: Pathogenic for Alport syndrome 3b, autosomal recessive. Last evaluated: 2025-05-24. Review status: criteria provided, single submitter. Criteria: ACMG Guidelines, 2015. Collection method: clinical testing. Allele origin: unknown. Affected: yes.

Labcorp Genetics (formerly Invitae), Labcorp
Classification: Pathogenic. Last evaluated: 2025-05-11. Review status: criteria provided, single submitter. Criteria: Invitae Variant Classification Sherloc (09022015). Collection method: clinical testing. Allele origin: germline.
Comment: This sequence change creates a premature translational stop signal (p.Arg1496*) in the COL4A3 gene. It is expected to result in an absent or disrupted protein product. Loss-of-function variants in COL4A3 are known to be pathogenic (PMID: 8956999, 24854265, 26809805, 27281700). This variant is present in population databases (rs769863513, gnomAD 0.003%). This premature translational stop signal has been observed in individual(s) with Alport syndrome (PMID: 18436078). In at least one individual the data is consistent with being in trans (on the opposite chromosome) from a pathogenic variant. It has also been observed to segregate with disease in related individuals. ClinVar contains an entry for this variant (Variation ID: 554855). Algorithms developed to predict the effect of sequence changes on RNA splicing suggest that this variant may disrupt the consensus splice site. For these reasons, this variant has been classified as Pathogenic.

Molecular Genetics, Royal Melbourne Hospital
Classification: Pathogenic for Alport syndrome. Last evaluated: 2024-12-06. Review status: criteria provided, single submitter. Criteria: ACMG Guidelines, 2015. Collection method: clinical testing. Allele origin: germline. Inheritance: Semidominant inheritance.
Comment: This sequence change in COL4A3 is a nonsense variant predicted to create a premature stop codon, p.(Arg1496*), in biologically relevant exon 49/52 leading to nonsense-mediated decay in a gene in which loss-of-function is an established disease mechanism (PMID: 20301386). The highest population minor allele frequency in the population database gnomAD v4.1 is 0.003% (32/1,180,034 alleles) in the European (non-Finnish) population, which is consistent with semidominant disease. ClinVar contains an entry for this variant (Variation ID: 554855). This variant has been detected as compound heterozygous with another truncating variant in two siblings with Alport Spectrum, confirmed in trans through parental testing (PMID: 18436078). Based on the classification scheme RMH Modified ACMG/AMP Guidelines v1.7.1, this variant is classified as PATHOGENIC. Following criteria are met: PVS1, PM3.

Fulgent Genetics
Classification: Pathogenic for Autosomal dominant Alport syndrome; Hematuria, benign familial, 2; Alport syndrome 3b, autosomal recessive. Last evaluated: 2024-04-05. Review status: criteria provided, single submitter. Criteria: ACMG Guidelines, 2015. Collection method: clinical testing. Allele origin: germline.

Women's Health and Genetics/Laboratory Corporation of America, LabCorp
Classification: Pathogenic for Alport syndrome autosomal recessive. Last evaluated: 2020-02-03. Review status: criteria provided, single submitter. Criteria: LabCorp Variant Classification Summary - May 2015. Collection method: clinical testing. Allele origin: germline.
Comment: Variant summary: COL4A3 c.4486C>T (p.Arg1496X) results in a premature termination codon, predicted to cause a truncation of the encoded protein or absence of the protein due to nonsense mediated decay, which are commonly known mechanisms for disease. Truncations downstream of this position have been classified as pathogenic by our laboratory. The variant allele was found at a frequency of 1.2e-05 in 249302 control chromosomes (gnomAD). c.4486C>T has been reported in the literature in individuals affected with Alport Syndrome, autosomal recessive (Nagel_2005, Cook_2008). These data indicate that the variant may be associated with disease. To our knowledge, no experimental evidence demonstrating an impact on protein function has been reported. One ClinVar submitter (evaluation after 2014) cites the variant as likely pathogenic. Based on the evidence outlined above, the variant was classified as pathogenic.

Counsyl
Classification: Likely pathogenic for Autosomal recessive Alport syndrome. Last evaluated: 2017-11-15. Review status: no assertion criteria provided. Collection method: clinical testing. Allele origin: unknown. Not counted in ClinVar's aggregate classification.

Literature cited by the submitters: PubMed 18436078 (cited by 5 submitters); PubMed 8956999 (cited by Labcorp Genetics (formerly Invitae), Labcorp); PubMed 24854265 (cited by Labcorp Genetics (formerly Invitae), Labcorp); PubMed 26809805 (cited by Labcorp Genetics (formerly Invitae), Labcorp); PubMed 27281700 (cited by Labcorp Genetics (formerly Invitae), Labcorp); PubMed 20301386 (cited by Molecular Genetics, Royal Melbourne Hospital); PubMed 31807928 (cited by Women's Health and Genetics/Laboratory Corporation of America, LabCorp); PubMed 15954103 (cited by Women's Health and Genetics/Laboratory Corporation of America, LabCorp and Counsyl); PubMed 30881523 (cited by Women's Health and Genetics/Laboratory Corporation of America, LabCorp); PubMed 25525159 (cited by Counsyl).

NM_000091.5(COL4A3):c.4486C>T (p.Arg1496Ter)

Genes: COL4A3 (collagen type IV alpha 3 chain; plus strand), MFF-DT (MFF divergent transcript; minus strand). Cytogenetic location: 2q36.3.
Variant type: single nucleotide variant.
Coding change: c.4486C>T on transcript NM_000091.5 (MANE Select); coding-DNA position 4486, C replaced by T.
Protein change: p.Arg1496Ter; replaces arginine 1496 with a stop codon.
Molecular consequence: nonsense.
Genome position (GRCh38, 1-based): chr2:227,308,922, C>T. VCF-style: chr2-227308922-C-T. GRCh37 (hg19) VCF-style: chr2-228173638-C-T.
Other names: short protein forms R1496*.
Identifiers: ClinVar variation 554855 (VCV000554855.17), dbSNP rs769863513, ClinGen allele CA2147563.